The following is an entry in ClinVar:

ClinVar aggregate classification (germline): Conflicting classifications of pathogenicity. Review status: criteria provided, conflicting classifications (1 of 4 stars). 3 submissions from 3 submitters: Uncertain significance (2); Benign (1). Last evaluated 2025-04-08.

Conditions:
Hereditary cancer-predisposing syndrome. Also called: Tumor predisposition; Neoplastic Syndromes, Hereditary; Hereditary Cancer Syndrome; Hereditary neoplastic syndrome. Identifiers: Orphanet 140162, MedGen C0027672, MeSH D009386, MONDO:0015356.
Tuberous sclerosis 1 (TSC1). Identifiers: Orphanet 805, MedGen C1854465, MONDO:0008612, OMIM 191100.

Allele frequency attached by ClinVar (database versions not stated): gnomAD exomes below 0.00001; TOPMed below 0.00001.

Submissions (3):

Labcorp Genetics (formerly Invitae), Labcorp
Classification: Benign for Tuberous sclerosis 1. Last evaluated: 2025-04-08. Review status: criteria provided, single submitter. Criteria: Invitae Variant Classification Sherloc (09022015). Collection method: clinical testing. Allele origin: germline.

GeneDx
Classification: Uncertain significance. Last evaluated: 2024-09-27. Review status: criteria provided, single submitter. Criteria: GeneDx Variant Classification Process June 2021. Collection method: clinical testing. Allele origin: germline. Affected: yes.
Comment: Not observed at significant frequency in large population cohorts (gnomAD); In silico analysis indicates that this missense variant does not alter protein structure/function; Has not been previously published as pathogenic or benign to our knowledge

Ambry Genetics
Classification: Uncertain significance for Hereditary cancer-predisposing syndrome. Last evaluated: 2024-09-20. Review status: criteria provided, single submitter. Criteria: Ambry Variant Classification Scheme 2023. Collection method: clinical testing. Allele origin: germline.
Comment: The p.P590S variant (also known as c.1768C>T), located in coding exon 13 of the TSC1 gene, results from a C to T substitution at nucleotide position 1768. The proline at codon 590 is replaced by serine, an amino acid with similar properties. This amino acid position is not well conserved in available vertebrate species. In addition, this alteration is predicted to be tolerated by in silico analysis. Based on the available evidence, the clinical significance of this variant remains unclear.

NM_000368.5(TSC1):c.1768C>T (p.Pro590Ser)

Gene: TSC1 (TSC complex subunit 1; minus strand). Cytogenetic location: 9q34.13.
Variant type: single nucleotide variant.
Coding change: c.1768C>T on transcript NM_000368.5 (MANE Select); coding-DNA position 1768, C replaced by T.
Protein change: p.Pro590Ser; replaces proline 590 with serine.
Molecular consequence: missense variant.
Genome position (GRCh38, 1-based): chr9:132,905,810, G>A on the plus strand (C>T on the coding strand, the complement: TSC1 is on the minus strand). VCF-style: chr9-132905810-G-A. GRCh37 (hg19) VCF-style: chr9-135781197-G-A.
Other names: c.1765C>T, p.Pro589Ser (NM_001162426.2); c.1615C>T, p.Pro539Ser (NM_001162427.2); c.1405C>T, p.Pro469Ser (NM_001362177.2); c.1768C>T (NM_000368.4); short protein forms P469S, P539S, P589S, P590S.
Identifiers: ClinVar variation 1060853 (VCV001060853.11), dbSNP rs902419565, ClinGen allele CA200888421.
Genomic context (GRCh38, chr9:132,905,810, plus strand): 5'-CCTCAAAAAGATGATCATACGGGGGAGGCTGCCCGCTTCCAAAGCCCACTCTCGTCGGAG[G>A]TGGAATTTTACAAGGACTGGGAGTGAAGATACTGGTCTCCAAAGAAGTCTGGCATTCCCT-3'
Protein context (NP_000359.1, residues 580-600): IFTPSPCKIP[Pro590Ser]PTRVGFGSGQ